The following is an entry in ClinVar:

NM_001271938.2(MEGF8):c.5320G>C (p.Glu1774Gln)

Gene: MEGF8 (multiple EGF like domains 8; plus strand). Cytogenetic location: 19q13.2.
Variant type: single nucleotide variant.
Coding change: c.5320G>C on transcript NM_001271938.2 (MANE Select); coding-DNA position 5320, G replaced by C.
Protein change: p.Glu1774Gln; replaces glutamic acid 1774 with glutamine.
Molecular consequence: missense variant.
Genome position (GRCh38, 1-based): chr19:42,358,931, G>C. VCF-style: chr19-42358931-G-C. GRCh37 (hg19) VCF-style: chr19-42863083-G-C.
Other names: c.5119G>C, p.Glu1707Gln (NM_001410.3); short protein forms E1707Q, E1774Q.
Identifiers: ClinVar variation 703302 (VCV000703302.39), dbSNP rs149787596, ClinGen allele CA9475521.

ClinVar aggregate classification (germline): Conflicting classifications of pathogenicity. Review status: criteria provided, conflicting classifications (1 of 4 stars). 4 submissions from 4 submitters: Uncertain significance (1); Benign (1); Likely benign (2). Last evaluated 2026-03-01.

Conditions:
Inborn genetic diseases. Identifiers: MedGen C0950123, MeSH D030342.
MEGF8-related Carpenter syndrome. Also called: Carpenter syndrome 2. Identifiers: Orphanet 65759, MedGen C3554247, MONDO:0013998, OMIM 614976.

Allele frequency attached by ClinVar (database versions not stated): gnomAD exomes 0.00066; ExAC 0.00107; gnomAD 0.00246 and 0.00266; 1000 Genomes Project 0.00260; TOPMed 0.00261; 1000 Genomes Project 30x 0.00265; ESP Exome Variant Server 0.00354.
gnomAD v4.1: 659 of 1,611,172 alleles (0.041%); highest among the groups gnomAD compares: African/African-American, 0.79%; 2 homozygotes.

Submissions (4):

CeGaT Center for Human Genetics Tuebingen
Classification: Likely benign. Last evaluated: 2026-03-01. Review status: criteria provided, single submitter. Criteria: CeGaT Center For Human Genetics Tuebingen Variant Classification Criteria Version 2. Collection method: clinical testing. Allele origin: germline. Affected: yes. Observed: 2 variant alleles.
Comment: MEGF8: BP4, BS2

Labcorp Genetics (formerly Invitae), Labcorp
Classification: Benign for MEGF8-related Carpenter syndrome. Last evaluated: 2026-01-09. Review status: criteria provided, single submitter. Criteria: Invitae Variant Classification Sherloc (09022015). Collection method: clinical testing. Allele origin: germline.

Ambry Genetics
Classification: Uncertain significance for Inborn genetic diseases. Last evaluated: 2024-12-02. Review status: criteria provided, single submitter. Criteria: Ambry Variant Classification Scheme 2023. Collection method: clinical testing. Allele origin: germline.

GeneDx
Classification: Likely benign. Last evaluated: 2020-09-06. Review status: criteria provided, single submitter. Criteria: GeneDx Variant Classification Process June 2021. Collection method: clinical testing. Allele origin: germline. Affected: yes.